The following is an entry in ClinVar:

ClinVar aggregate classification (germline): Likely benign. Review status: criteria provided, multiple submitters, no conflicts (2 of 4 stars). 2 submissions from 2 submitters: Likely benign (2). Last evaluated 2023-06-26.

Conditions:
Wilson disease (WND). Also called: Wilson's disease. Identifiers: Orphanet 905, MedGen C0019202, MONDO:0010200, OMIM 277900. Disease mechanism: loss of function.

Allele frequency attached by ClinVar (database versions not stated): gnomAD exomes below 0.00001.
gnomAD v4.1: 4 of 1,614,168 alleles (0.00025%); highest among the groups gnomAD compares: Non-Finnish European, 0.00034%; no homozygotes.

Submissions (2):

All of Us Research Program, National Institutes of Health
Classification: Likely benign for Wilson disease. Last evaluated: 2023-06-26. Review status: criteria provided, single submitter. Criteria: ACMG Guidelines, 2015. Collection method: clinical testing. Allele origin: germline. Inheritance: Autosomal recessive inheritance. Observed: 1 variant allele, 1 heterozygote.
Comment: This study involves interpretation of variants in research participants for the purpose of population health screening. Participant phenotype was not available at the time of variant classification. Additional details can be found in publication PMID: 35346344, PMCID: PMC8962531

Labcorp Genetics (formerly Invitae), Labcorp
Classification: Likely benign for Wilson disease. Last evaluated: 2021-01-11. Review status: criteria provided, single submitter. Criteria: Invitae Variant Classification Sherloc (09022015). Collection method: clinical testing. Allele origin: germline.

NM_000053.4(ATP7B):c.3153G>A (p.Leu1051=)

Gene: ATP7B (ATPase copper transporting beta; minus strand). Cytogenetic location: 13q14.3.
Variant type: single nucleotide variant.
Coding change: c.3153G>A on transcript NM_000053.4 (MANE Select); coding-DNA position 3153, G replaced by A.
Protein change: p.Leu1051=; no amino-acid change (leucine 1051 retained).
Molecular consequence: synonymous variant.
Genome position (GRCh38, 1-based): chr13:51,944,199, C>T on the plus strand (G>A on the coding strand, the complement: ATP7B is on the minus strand). VCF-style: chr13-51944199-C-T. GRCh37 (hg19) VCF-style: chr13-52518335-C-T.
Other names: c.2532G>A, p.Leu844= (NM_001005918.3); c.2820G>A, p.Leu940= (NM_001243182.2); c.2919G>A, p.Leu973= (NM_001330578.2); c.2901G>A, p.Leu967= (NM_001330579.2).
Identifiers: ClinVar variation 1443569 (VCV001443569.9), dbSNP rs1198600591, ClinGen allele CA483894708.
Genomic context (GRCh38, chr13:51,944,199, plus strand): 5'-CAAGGGGTGTTCACTGCTGGCCTCCGCAGTCCCCACCACAGCCAGAACCTTCCTGAGGGG[C>T]AGTGTGGCCACATCCCCCAGCAGGAGCACCCGCATGACCCTGGGGACGCCATGGGTAATG-3'
Protein context (NP_000044.2, residues 1041-1061): RVLLLGDVAT[Leu1051=]PLRKVLAVVG